The following is an entry in ClinVar:

NM_001001433.3(STX16):c.141C>T (p.Asp47=)

Genes: STX16 (syntaxin 16; plus strand), STX16-NPEPL1 (STX16-NPEPL1 readthrough (NMD candidate); plus strand). Cytogenetic location: 20q13.32.
Variant type: single nucleotide variant.
Coding change: c.141C>T on transcript NM_001001433.3 (MANE Select); coding-DNA position 141, C replaced by T.
Protein change: p.Asp47=; no amino-acid change (aspartic acid 47 retained).
Molecular consequence: synonymous variant. On other transcripts: non-coding transcript variant (3), 5 prime UTR variant (1), intron variant (2).
Genome position (GRCh38, 1-based): chr20:58,659,631, C>T. VCF-style: chr20-58659631-C-T. GRCh37 (hg19) VCF-style: chr20-57234687-C-T.
Other names: c.90C>T, p.Asp30= (NM_001134773.3); c.-19C>T (NM_001204868.2); c.132+7493C>T (NM_001134772.3); c.81+7544C>T (NM_003763.6).
Identifiers: ClinVar variation 339045 (VCV000339045.16), dbSNP rs73598392, ClinGen allele CA9925212.

ClinVar aggregate classification (germline): Benign/Likely benign. Review status: criteria provided, multiple submitters, no conflicts (2 of 4 stars). 4 submissions from 4 submitters: Benign (3); Likely benign (1). Last evaluated 2026-02-01.

Conditions:
Pseudohypoparathyroidism type 1B (PHP1B). Also called: PHP IB; Pseudohypoparathyroidism Ib (PHP-Ib); Pseudohypoparathyroidism Type IB. Identifiers: Orphanet 94089, MedGen C1864100, MONDO:0011301, OMIM 603233.

Allele frequency attached by ClinVar (database versions not stated): ESP Exome Variant Server 0.00077; gnomAD 0.00268 and 0.00335; TOPMed 0.00563; 1000 Genomes Project 30x 0.01093; 1000 Genomes Project 0.01218.
gnomAD v4.1: 3,310 of 1,612,428 alleles (0.21%); highest among the groups gnomAD compares: East Asian, 5.6%; 81 homozygotes.

Submissions (4):

Labcorp Genetics (formerly Invitae), Labcorp
Classification: Benign. Last evaluated: 2026-02-01. Review status: criteria provided, single submitter. Criteria: Invitae Variant Classification Sherloc (09022015). Collection method: clinical testing. Allele origin: germline.

Fulgent Genetics
Classification: Likely benign for Pseudohypoparathyroidism type 1B. Last evaluated: 2021-07-22. Review status: criteria provided, single submitter. Criteria: ACMG Guidelines, 2015. Collection method: clinical testing. Allele origin: unknown.

GeneDx
Classification: Benign. Last evaluated: 2021-05-06. Review status: criteria provided, single submitter. Criteria: GeneDx Variant Classification Process June 2021. Collection method: clinical testing. Allele origin: germline. Affected: yes.

Illumina Laboratory Services, Illumina
Classification: Benign for Pseudohypoparathyroidism type 1B. Last evaluated: 2018-01-13. Review status: criteria provided, single submitter. Criteria: ICSL Variant Classification Criteria 13 December 2019. Collection method: clinical testing. Allele origin: germline.
Comment: This variant was observed in the ICSL laboratory as part of a predisposition screen in an ostensibly healthy population. It had not been previously curated by ICSL or reported in the Human Gene Mutation Database (HGMD: prior to June 1st, 2018), and was therefore a candidate for classification through an automated scoring system. Utilizing variant allele frequency, disease prevalence and penetrance estimates, and inheritance mode, an automated score was calculated to assess if this variant is too frequent to cause the disease. Based on the score and internal cut-off values, a variant classified as benign is not then subjected to further curation. The score for this variant resulted in a classification of benign for this disease.